The following is an entry in ClinVar:

ClinVar aggregate classification (germline): Pathogenic. Review status: criteria provided, multiple submitters, no conflicts (2 of 4 stars). 7 submissions from 7 submitters: Pathogenic (6). 1 of the submissions does not count toward it. Last evaluated 2025-11-08.

Conditions:
Rare genetic deafness. Identifiers: Orphanet 96210, MedGen C5680250.
Autosomal recessive nonsyndromic hearing loss 23. Identifiers: Orphanet 90636, MedGen C1836027, MONDO:0012293, OMIM 609533.
Usher syndrome type 1D (USH1D). Also called: USHER SYNDROME, TYPE ID. Identifiers: Orphanet 231169, Orphanet 886, MedGen C1832845, MONDO:0010984, OMIM 601067.
Usher syndrome type 1F (USH1F). Also called: USHER SYNDROME, TYPE IF. Identifiers: Orphanet 231169, Orphanet 886, MedGen C1865885, MONDO:0011186, OMIM 602083.
PCDH15-related disorder. Also called: PCDH15-related condition; PCDH15-related disorders.

Allele frequency attached by ClinVar (database versions not stated): gnomAD 0.00001; TOPMed 0.00001.
gnomAD v4.1: 8 of 1,613,082 alleles (0.0005%); highest among the groups gnomAD compares: Admixed American, 0.0017%; no homozygotes.

Submissions (7):

Labcorp Genetics (formerly Invitae), Labcorp
Classification: Pathogenic. Last evaluated: 2025-11-08. Review status: criteria provided, single submitter. Criteria: Invitae Variant Classification Sherloc (09022015). Collection method: clinical testing. Allele origin: germline.
Comment: This sequence change creates a premature translational stop signal (p.Arg1120*) in the PCDH15 gene. It is expected to result in an absent or disrupted protein product. Loss-of-function variants in PCDH15 are known to be pathogenic (PMID: 11398101, 11487575, 14570705). This variant is present in population databases (no rsID available, gnomAD 0.004%). This premature translational stop signal has been observed in individual(s) with a PCDH15-related condition (PMID: 27743452). ClinVar contains an entry for this variant (Variation ID: 228389). For these reasons, this variant has been classified as Pathogenic.

Natera, Inc.
Classification: Pathogenic for Usher syndrome type 1F. Last evaluated: 2024-12-12. Review status: criteria provided, single submitter. Criteria: Natera Variant Classification Schema (03/2026). Collection method: clinical testing. Allele origin: germline.
Comment: The c.3358C>T variant in PCDH15 is a nonsense variant predicted to introduce a stop codon at amino acid 1120. This variant is expected to result in nonsense mediated decay, truncation, or a dysfunctional protein product. This variant is rare in the general population with a frequency below the threshold expected for the associated phenotype(s). This variant has been observed in one or more individuals affected with the associated recessive disease, as either homozygous or compound heterozygous with a second variant (PMID: 27743452). Given the available evidence, this variant is classified as Pathogenic.

Fulgent Genetics
Classification: Pathogenic for Usher syndrome type 1D; Usher syndrome type 1F; Autosomal recessive nonsyndromic hearing loss 23. Last evaluated: 2024-04-23. Review status: criteria provided, single submitter. Criteria: ACMG Guidelines, 2015. Collection method: clinical testing. Allele origin: germline.

Baylor Genetics
Classification: Pathogenic for Autosomal recessive nonsyndromic hearing loss 23. Last evaluated: 2024-02-06. Review status: criteria provided, single submitter. Criteria: ACMG Guidelines, 2015. Collection method: clinical testing. Allele origin: unknown.

Broad Center for Mendelian Genomics, Broad Institute of MIT and Harvard
Classification: Pathogenic for Usher syndrome type 1F. Last evaluated: 2023-01-24. Review status: criteria provided, single submitter. Criteria: ACMG Guidelines, 2015. Collection method: curation. Allele origin: germline. Inheritance: Autosomal recessive inheritance.
Comment: The p.Arg1120Ter variant in PCDH15 has been reported in 1 individual, in the compound heterozygous state, with Usher syndrome type 1F (PMID: 27743452), and has been identified in 0.009% (1/10602) of European (Finnish) chromosomes by the Genome Aggregation Database (gnomAD; dbSNP ID: rs773404494). Although this variant has been seen in the general population in a heterozygous state, its frequency is low enough to be consistent with a recessive carrier frequency. This variant has also been reported in ClinVar (Variation ID#: 228389) and has been interpreted as pathogenic by Laboratory for Molecular Medicine (Mass General Brigham Personalized Medicine), Invitae, and Natera, Inc.. This nonsense variant leads to a premature termination codon at position 1120, which is predicted to lead to a truncated or absent protein. Loss of function of the PCDH15 gene is an established disease mechanism in autosomal recessive Usher syndrome type 1F. In summary, this variant meets criteria to be classified as pathogenic for autosomal recessive Usher syndrome type 1F. ACMG/AMP Criteria applied: PVS1, PM2_supporting, PM3 (Richards 2015).

Laboratory for Molecular Medicine, Mass General Brigham Personalized Medicine
Classification: Pathogenic for Rare genetic deafness. Last evaluated: 2022-03-30. Review status: criteria provided, single submitter. Criteria: ACMG Guidelines, 2015. Collection method: clinical testing. Allele origin: germline. Inheritance: Autosomal recessive inheritance.
Comment: It has also been identified in 0.03% (1/347) of Finnish chromosomes by gnomAD. However, this frequency is low enough to be consistent with a recessive allele frequency. This variant has also been reported in ClinVar (Variation ID 228389). This nonsense variant leads to a premature termination codon at position 1120, which is predicted to lead to a truncated or absent protein. Loss of function of the PCDH15 gene is an established disease mechanism in autosomal recessive Usher syndrome. In summary, this variant meets criteria to be classified as pathogenic for autosomal recessive Usher syndrome. ACMG/AMP Criteria applied: PVS1, PM3_Strong.

PreventionGenetics, part of Exact Sciences
Classification: Likely pathogenic for PCDH15-related condition. Last evaluated: 2024-08-09. Review status: no assertion criteria provided. Collection method: clinical testing. Allele origin: germline. Not counted in ClinVar's aggregate classification.
Comment: The PCDH15 c.3358C>T variant is predicted to result in premature protein termination (p.Arg1120*). This variant was reported as pathogenic in individuals with Usher syndrome and inherited retinal disorders (Kletke et al. 2017. PubMed ID: 27743452; Table S1, Karali et al. 2022. PubMed ID: 36460718). This variant is reported in 0.029% of alleles in individuals of European (Finnish) descent in gnomAD. Nonsense variants in PCDH15 are expected to be pathogenic. This variant is interpreted as likely pathogenic.

Literature cited by the submitters: PubMed 11398101 (cited by Labcorp Genetics (formerly Invitae), Labcorp); PubMed 11487575 (cited by Labcorp Genetics (formerly Invitae), Labcorp); PubMed 14570705 (cited by Labcorp Genetics (formerly Invitae), Labcorp); PubMed 27743452 (cited by 3 submitters).

NM_001384140.1(PCDH15):c.3358C>T (p.Arg1120Ter)

Gene: PCDH15 (protocadherin related 15; minus strand). Cytogenetic location: 10q21.1.
Variant type: single nucleotide variant.
Coding change: c.3358C>T on transcript NM_001384140.1 (MANE Select); coding-DNA position 3358, C replaced by T.
Protein change: p.Arg1120Ter; replaces arginine 1120 with a stop codon.
Molecular consequence: nonsense.
Genome position (GRCh38, 1-based): chr10:53,938,830, G>A on the plus strand (C>T on the coding strand, the complement: PCDH15 is on the minus strand). VCF-style: chr10-53938830-G-A. GRCh37 (hg19) VCF-style: chr10-55698590-G-A.
Other names: NM_001384140.1(PCDH15):c.3358C>T; p.Arg1120Ter; c.3373C>T, p.Arg1125Ter (NM_001142763.2, NM_001142771.2); c.3358C>T, p.Arg1120Ter (NM_001142764.2, NM_001142766.2, NM_001142770.3 and 4 more transcripts); c.3145C>T, p.Arg1049Ter (NM_001142765.2); c.3247C>T, p.Arg1083Ter (NM_001142767.2); c.3292C>T, p.Arg1098Ter (NM_001142768.2, NM_001142773.2, NM_001354404.2); c.3394C>T, p.Arg1132Ter (NM_001142769.4); and 1 more; short protein forms R1120*, R1083*, R1125*, R1127*, R1049*, R1132*, R1098*.
Identifiers: ClinVar variation 228389 (VCV000228389.21), dbSNP rs773404494, ClinGen allele CA10576793.